The following is an entry in ClinVar:

ClinVar aggregate classification (germline): Uncertain significance (1 of 4 stars; one submission).

Conditions:
Hereditary cancer-predisposing syndrome. Also called: Neoplastic Syndromes, Hereditary; Hereditary Cancer Syndrome; Tumor predisposition; Hereditary neoplastic syndrome. Identifiers: Orphanet 140162, MedGen C0027672, MeSH D009386, MONDO:0015356.

Submission:

Ambry Genetics
Classification: Uncertain significance for Hereditary cancer-predisposing syndrome. Last evaluated: 2023-02-15. Review status: criteria provided, single submitter. Criteria: Ambry Variant Classification Scheme 2023. Collection method: clinical testing. Allele origin: germline.
Comment: The p.G289V variant (also known as c.866G>T), located in coding exon 3 of the PHOX2B gene, results from a G to T substitution at nucleotide position 866. The glycine at codon 289 is replaced by valine, an amino acid with dissimilar properties. This amino acid position is conserved. In addition, this alteration is predicted to be deleterious by in silico analysis. Since supporting evidence is limited at this time, the clinical significance of this alteration remains unclear.

NM_003924.4(PHOX2B):c.866G>T (p.Gly289Val)

Gene: PHOX2B (paired like homeobox 2B; minus strand). Cytogenetic location: 4p13.
Variant type: single nucleotide variant.
Coding change: c.866G>T on transcript NM_003924.4 (MANE Select); coding-DNA position 866, G replaced by T.
Protein change: p.Gly289Val; replaces glycine 289 with valine.
Molecular consequence: missense variant.
Genome position (GRCh38, 1-based): chr4:41,745,886, C>A on the plus strand (G>T on the coding strand, the complement: PHOX2B is on the minus strand). VCF-style: chr4-41745886-C-A. GRCh37 (hg19) VCF-style: chr4-41747903-C-A.
Other names: short protein forms G289V.
Identifiers: ClinVar variation 2448127 (VCV002448127.2), dbSNP rs2153112739, ClinGen allele CA356736935.